The following is an entry in ClinVar:

NM_001177701.3(IFT27):c.171del (p.Ser57fs)

Gene: IFT27 (intraflagellar transport 27; minus strand). Cytogenetic location: 22q12.3.
Variant type: Deletion.
Coding change: c.171del on transcript NM_001177701.3 (MANE Select); coding-DNA position 171, one base deleted (T; older notation c.171delT).
Protein change: p.Ser57fs; shifts the reading frame from serine 57.
Molecular consequence: frameshift variant.
Genome position (GRCh38, 1-based): chr22:36,767,309, A deleted on the plus strand (T on the coding strand, the reverse complement: IFT27 is on the minus strand). VCF-style (leftmost placement, unchanged base first): chr22-36767308-CA-C. GRCh37 (hg19) VCF-style: chr22-37163352-CA-C.
Other names: c.171del, p.Ser57fs (NM_001363003.2); c.168del, p.Ser56fs (NM_006860.5); short protein forms S56fs, S57fs.
Identifiers: ClinVar variation 2033458 (VCV002033458.4), dbSNP rs1297608441, ClinGen allele CA752857777.

ClinVar aggregate classification (germline): Pathogenic (1 of 4 stars; one submission).

Submission:

Labcorp Genetics (formerly Invitae), Labcorp
Classification: Pathogenic. Last evaluated: 2022-09-30. Review status: criteria provided, single submitter. Criteria: Invitae Variant Classification Sherloc (09022015). Collection method: clinical testing. Allele origin: germline.
Comment: For these reasons, this variant has been classified as Pathogenic. Algorithms developed to predict the effect of sequence changes on RNA splicing suggest that this variant may create or strengthen a splice site. This variant has not been reported in the literature in individuals affected with IFT27-related conditions. This variant is not present in population databases (gnomAD no frequency). This sequence change creates a premature translational stop signal (p.Ser56Argfs*35) in the IFT27 gene. It is expected to result in an absent or disrupted protein product. Loss-of-function variants in IFT27 are known to be pathogenic (PMID: 24488770, 25446516).

Literature cited by the submitters: PubMed 24488770; PubMed 25446516.